The following is an entry in ClinVar:

ClinVar aggregate classification (germline): Uncertain significance. Review status: criteria provided, multiple submitters, no conflicts (2 of 4 stars). 2 submissions from 2 submitters: Uncertain significance (2). Last evaluated 2025-03-27.

Conditions:
Inborn genetic diseases. Identifiers: MedGen C0950123, MeSH D030342.

Allele frequency attached by ClinVar (database versions not stated): gnomAD 0.00001; gnomAD exomes 0.00001; TOPMed 0.00001.
gnomAD v4.1: 5 of 1,614,124 alleles (0.00031%); highest among the groups gnomAD compares: East Asian, 0.0067%; no homozygotes.

Submissions (2):

Ambry Genetics
Classification: Uncertain significance for Inborn genetic diseases. Last evaluated: 2025-03-27. Review status: criteria provided, single submitter. Criteria: Ambry Variant Classification Scheme 2023. Collection method: clinical testing. Allele origin: germline.

Labcorp Genetics (formerly Invitae), Labcorp
Classification: Uncertain significance. Last evaluated: 2024-01-22. Review status: criteria provided, single submitter. Criteria: Invitae Variant Classification Sherloc (09022015). Collection method: clinical testing. Allele origin: germline.
Comment: This sequence change replaces threonine, which is neutral and polar, with isoleucine, which is neutral and non-polar, at codon 344 of the EXTL3 protein (p.Thr344Ile). This variant is present in population databases (no rsID available, gnomAD 0.02%). This variant has not been reported in the literature in individuals affected with EXTL3-related conditions. ClinVar contains an entry for this variant (Variation ID: 1439636). Advanced modeling of protein sequence and biophysical properties (such as structural, functional, and spatial information, amino acid conservation, physicochemical variation, residue mobility, and thermodynamic stability) performed at Invitae indicates that this missense variant is not expected to disrupt EXTL3 protein function with a negative predictive value of 80%. In summary, the available evidence is currently insufficient to determine the role of this variant in disease. Therefore, it has been classified as a Variant of Uncertain Significance.

NM_001440.4(EXTL3):c.1031C>T (p.Thr344Ile)

Gene: EXTL3 (exostosin like glycosyltransferase 3; plus strand). Cytogenetic location: 8p21.1.
Variant type: single nucleotide variant.
Coding change: c.1031C>T on transcript NM_001440.4 (MANE Select); coding-DNA position 1031, C replaced by T.
Protein change: p.Thr344Ile; replaces threonine 344 with isoleucine.
Molecular consequence: missense variant.
Genome position (GRCh38, 1-based): chr8:28,717,090, C>T. VCF-style: chr8-28717090-C-T. GRCh37 (hg19) VCF-style: chr8-28574607-C-T.
Other names: c.1031C>T (NM_001440.2); short protein forms T344I.
Identifiers: ClinVar variation 1439636 (VCV001439636.5), dbSNP rs1456641687, ClinGen allele CA370858275.